The following is an entry in ClinVar:

ClinVar aggregate classification (germline): Uncertain significance (1 of 4 stars; one submission).

Conditions:
Nephronophthisis. Also called: Juvenile Nephronophthisis. Identifiers: Orphanet 655, MedGen C0687120, MONDO:0019005, HP:0000090.

Allele frequency attached by ClinVar (database versions not stated): ExAC 0.00001; gnomAD 0.00001.
gnomAD v4.1: 10 of 1,613,934 alleles (0.00062%); highest among the groups gnomAD compares: Admixed American, 0.0017%; no homozygotes.

Submission:

Labcorp Genetics (formerly Invitae), Labcorp
Classification: Uncertain significance for Nephronophthisis. Last evaluated: 2022-05-15. Review status: criteria provided, single submitter. Criteria: Invitae Variant Classification Sherloc (09022015). Collection method: clinical testing. Allele origin: germline.
Comment: This sequence change replaces threonine, which is neutral and polar, with methionine, which is neutral and non-polar, at codon 1312 of the NPHP3 protein (p.Thr1312Met). This variant is present in population databases (rs778488977, gnomAD 0.0009%). This variant has not been reported in the literature in individuals affected with NPHP3-related conditions. Algorithms developed to predict the effect of missense changes on protein structure and function are either unavailable or do not agree on the potential impact of this missense change (SIFT: "Deleterious"; PolyPhen-2: "Possibly Damaging"; Align-GVGD: "Class C15"). In summary, the available evidence is currently insufficient to determine the role of this variant in disease. Therefore, it has been classified as a Variant of Uncertain Significance.

NM_153240.5(NPHP3):c.3935C>T (p.Thr1312Met)

Genes: NPHP3 (nephrocystin 3; minus strand), NPHP3-ACAD11 (NPHP3-ACAD11 readthrough (NMD candidate); minus strand). Cytogenetic location: 3q22.1.
Variant type: single nucleotide variant.
Coding change: c.3935C>T on transcript NM_153240.5 (MANE Select); coding-DNA position 3935, C replaced by T.
Protein change: p.Thr1312Met; replaces threonine 1312 with methionine.
Molecular consequence: missense variant. On other transcripts: non-coding transcript variant (1).
Genome position (GRCh38, 1-based): chr3:132,681,968, G>A on the plus strand (C>T on the coding strand, the complement: NPHP3 is on the minus strand). VCF-style: chr3-132681968-G-A. GRCh37 (hg19) VCF-style: chr3-132400812-G-A.
Other names: short protein forms T1312M.
Identifiers: ClinVar variation 2140345 (VCV002140345.1), dbSNP rs778488977, ClinGen allele CA2621598.